The following is an entry in ClinVar:

NM_004984.4(KIF5A):c.586A>G (p.Thr196Ala)

Gene: KIF5A (kinesin family member 5A; plus strand). Cytogenetic location: 12q13.3.
Variant type: single nucleotide variant.
Coding change: c.586A>G on transcript NM_004984.4 (MANE Select); coding-DNA position 586, A replaced by G.
Protein change: p.Thr196Ala; replaces threonine 196 with alanine.
Molecular consequence: missense variant.
Genome position (GRCh38, 1-based): chr12:57,567,210, A>G. VCF-style: chr12-57567210-A-G. GRCh37 (hg19) VCF-style: chr12-57960993-A-G.
Other names: c.319A>G, p.Thr107Ala (NM_001354705.2); short protein forms T196A, T107A.
Identifiers: ClinVar variation 572524 (VCV000572524.10), dbSNP rs1565697675, ClinGen allele CA385497982.
Genomic context (GRCh38, chr12:57,567,210, plus strand): 5'-AGCCCGGAGGAGATTCTGGATGTGATTGATGAAGGGAAATCAAATCGTCATGTGGCTGTC[A>G]CCAGTGAGTGAGGATACAAGGGGATCTCTCGAGTCTGAGGATCCACTTGTGTTCTGTGTC-3'
Protein context (NP_004975.2, residues 186-206): EGKSNRHVAV[Thr196Ala]NMNEHSSRSH

ClinVar aggregate classification (germline): Uncertain significance. Review status: criteria provided, multiple submitters, no conflicts (2 of 4 stars). 2 submissions from 2 submitters: Uncertain significance (2). Last evaluated 2020-01-27.

Conditions:
Spastic paraplegia. Identifiers: MedGen C0037772, HP:0001258.

Submissions (2):

Labcorp Genetics (formerly Invitae), Labcorp
Classification: Uncertain significance for Spastic paraplegia. Last evaluated: 2020-01-27. Review status: criteria provided, single submitter. Criteria: Invitae Variant Classification Sherloc (09022015). Collection method: clinical testing. Allele origin: germline.
Comment: In summary, the available evidence is currently insufficient to determine the role of this variant in disease. Therefore, it has been classified as a Variant of Uncertain Significance. Algorithms developed to predict the effect of missense changes on protein structure and function do not agree on the potential impact of this missense change (SIFT: "Deleterious"; PolyPhen-2: "Benign"; Align-GVGD: "Class C0"). This variant has not been reported in the literature in individuals with KIF5A-related disease. This variant is not present in population databases (ExAC no frequency). This sequence change replaces threonine with alanine at codon 196 of the KIF5A protein (p.Thr196Ala). The threonine residue is highly conserved and there is a small physicochemical difference between threonine and alanine.

Athena Diagnostics
Classification: Uncertain significance. Last evaluated: 2017-12-28. Review status: criteria provided, single submitter. Criteria: Athena Diagnostics Criteria. Collection method: clinical testing. Allele origin: germline.